The following is an entry in ClinVar:

ClinVar aggregate classification (germline): Uncertain significance (1 of 4 stars; one submission).

Conditions:
Inborn genetic diseases. Identifiers: MedGen C0950123, MeSH D030342.

Submission:

Ambry Genetics
Classification: Uncertain significance for Inborn genetic diseases. Last evaluated: 2026-04-04. Review status: criteria provided, single submitter. Criteria: Ambry Variant Classification Scheme 2023. Collection method: clinical testing. Allele origin: germline.
Comment: The p.I1233V variant (also known as c.3697A>G), located in coding exon 17 of the MECOM gene, results from an A to G substitution at nucleotide position 3697. The isoleucine at codon 1233 is replaced by valine, an amino acid with highly similar properties. This amino acid position is conserved. In addition, this alteration is predicted to be tolerated by in silico analysis. Based on the available evidence, the clinical significance of this variant remains unclear.

NM_004991.4(MECOM):c.3697A>G (p.Ile1233Val)

Gene: MECOM (MDS1 and EVI1 complex locus; minus strand). Cytogenetic location: 3q26.2.
Variant type: single nucleotide variant.
Coding change: c.3697A>G on transcript NM_004991.4 (MANE Select); coding-DNA position 3697, A replaced by G.
Protein change: p.Ile1233Val; replaces isoleucine 1233 with valine.
Molecular consequence: missense variant.
Genome position (GRCh38, 1-based): chr3:169,084,932, T>C on the plus strand (A>G on the coding strand, the complement: MECOM is on the minus strand). VCF-style: chr3-169084932-T-C. GRCh37 (hg19) VCF-style: chr3-168802720-T-C.
Other names: c.3328A>G, p.Ile1110Val (NM_001105077.4); c.3133A>G, p.Ile1045Val (NM_001105078.4, NM_001205194.2, NM_001366469.2 and 1 more transcripts); c.3109A>G, p.Ile1037Val (NM_001163999.2, NM_001366470.2); c.3106A>G, p.Ile1036Val (NM_001164000.2, NM_001366471.2, NM_001366472.2); c.3670A>G, p.Ile1224Val (NM_001366466.2); c.3136A>G, p.Ile1046Val (NM_001366467.2, NM_001366468.2); c.2698A>G, p.Ile900Val (NM_001366473.2); c.2134A>G, p.Ile712Val (NM_001366474.2); short protein forms I1036V, I1037V, I1045V, I1046V, I1110V, I1224V, I1233V, I712V.
Identifiers: ClinVar variation 4859719 (VCV004859719.1).